The following is an entry in ClinVar:

NM_001282225.2(ADA2):c.101G>A (p.Arg34Gln)

Gene: ADA2 (adenosine deaminase 2; minus strand). Cytogenetic location: 22q11.1.
Variant type: single nucleotide variant.
Coding change: c.101G>A on transcript NM_001282225.2 (MANE Select); coding-DNA position 101, G replaced by A.
Protein change: p.Arg34Gln; replaces arginine 34 with glutamine.
Molecular consequence: missense variant. On other transcripts: 5 prime UTR variant (2), intron variant (1).
Genome position (GRCh38, 1-based): chr22:17,209,577, C>T on the plus strand (G>A on the coding strand, the complement: ADA2 is on the minus strand). VCF-style: chr22-17209577-C-T. GRCh37 (hg19) VCF-style: chr22-17690467-C-T.
Other names: c.101G>A, p.Arg34Gln (NM_001282226.2); c.-26G>A (NM_001282227.2, NM_001282228.2); c.-38-2287G>A (NM_001282229.2); short protein forms R34Q.
Identifiers: ClinVar variation 1404154 (VCV001404154.9), dbSNP rs767960747, ClinGen allele CA410230908.

ClinVar aggregate classification (germline): Uncertain significance (1 of 4 stars; one submission).

Conditions:
Deficiency of adenosine deaminase 2. Also called: VASCULITIS, AUTOINFLAMMATION, IMMUNODEFICIENCY, AND HEMATOLOGIC DEFECTS SYNDROME; Polyarteritis nodosa, childhoood-onset; Adenosine Deaminase 2 Deficiency. Identifiers: Orphanet 404553, MedGen C3887654, MONDO:0014306, OMIM 615688, MONDO:0100317.

Allele frequency attached by ClinVar (database versions not stated): gnomAD 0.00001.
gnomAD v4.1: 7 of 1,613,944 alleles (0.00043%); highest among the groups gnomAD compares: African/African-American, 0.004%; no homozygotes.

Submission:

Labcorp Genetics (formerly Invitae), Labcorp
Classification: Uncertain significance for Deficiency of adenosine deaminase 2. Last evaluated: 2021-05-21. Review status: criteria provided, single submitter. Criteria: Invitae Variant Classification Sherloc (09022015). Collection method: clinical testing. Allele origin: germline.
Comment: In summary, the available evidence is currently insufficient to determine the role of this variant in disease. Therefore, it has been classified as a Variant of Uncertain Significance. Algorithms developed to predict the effect of missense changes on protein structure and function are either unavailable or do not agree on the potential impact of this missense change (SIFT: "Deleterious"; PolyPhen-2: "Probably Damaging"; Align-GVGD: "Class C0"). This variant has not been reported in the literature in individuals with ADA2-related conditions. This variant is not present in population databases (ExAC no frequency). This sequence change replaces arginine with glutamine at codon 34 of the ADA2 protein (p.Arg34Gln). The arginine residue is highly conserved and there is a small physicochemical difference between arginine and glutamine.